The following is an entry in ClinVar:

ClinVar aggregate classification (germline): Uncertain significance (1 of 4 stars; one submission).

Allele frequency attached by ClinVar (database versions not stated): gnomAD exomes below 0.00001.
gnomAD v4.1: 1 of 1,614,170 alleles (0.000062%); highest among the groups gnomAD compares: Non-Finnish European, 0.000085%; no homozygotes.

Submission:

Ambry Genetics
Classification: Uncertain significance. Last evaluated: 2023-05-19. Review status: criteria provided, single submitter. Criteria: Ambry Variant Classification Scheme 2023. Collection method: clinical testing. Allele origin: germline.
Comment: The p.D22N variant (also known as c.64G>A), located in coding exon 2 of the RAD54L gene, results from a G to A substitution at nucleotide position 64. The aspartic acid at codon 22 is replaced by asparagine, an amino acid with highly similar properties. This amino acid position is conserved. In addition, this alteration is predicted to be tolerated by in silico analysis. Since supporting evidence is limited at this time, the clinical significance of this alteration remains unclear.

NM_003579.4(RAD54L):c.64G>A (p.Asp22Asn)

Gene: RAD54L (RAD54 like; plus strand). Cytogenetic location: 1p34.1.
Variant type: single nucleotide variant.
Coding change: c.64G>A on transcript NM_003579.4 (MANE Select); coding-DNA position 64, G replaced by A.
Protein change: p.Asp22Asn; replaces aspartic acid 22 with asparagine.
Molecular consequence: missense variant. On other transcripts: 5 prime UTR variant (1).
Genome position (GRCh38, 1-based): chr1:46,248,572, G>A. VCF-style: chr1-46248572-G-A. GRCh37 (hg19) VCF-style: chr1-46714244-G-A.
Other names: c.64G>A, p.Asp22Asn (NM_001142548.2); c.-477G>A (NM_001370766.1); short protein forms D22N.
Identifiers: ClinVar variation 2561512 (VCV002561512.2), dbSNP rs2525626843, ClinGen allele CA340174484.